The following is an entry in ClinVar:

NM_000321.3(RB1):c.1333-2A>G

Gene: RB1 (RB transcriptional corepressor 1; plus strand). Cytogenetic location: 13q14.2.
Variant type: single nucleotide variant.
Coding change: c.1333-2A>G on transcript NM_000321.3 (MANE Select); the canonical splice acceptor site of the intron before coding-DNA position 1333, A replaced by G.
Molecular consequence: splice acceptor variant.
Genome position (GRCh38, 1-based): chr13:48,379,592, A>G. VCF-style: chr13-48379592-A-G. GRCh37 (hg19) VCF-style: chr13-48953728-A-G.
Other names: c.1333-2A>G (NM_001407165.1, NM_001407166.1).
Identifiers: ClinVar variation 458120 (VCV000458120.12), dbSNP rs1555286503, ClinGen allele CA388162526.

ClinVar aggregate classification (germline): Pathogenic. Review status: criteria provided, multiple submitters, no conflicts (2 of 4 stars). 2 submissions from 2 submitters: Pathogenic (2). Last evaluated 2020-12-15.

Conditions:
Retinoblastoma (RB1). Also called: RETINOBLASTOMA, SOMATIC. Identifiers: Orphanet 790, MedGen C0035335, MeSH D012175, MONDO:0008380, OMIM 180200, HP:0009919. Disease mechanism: loss of function. Inheritance: Both sporadic and heritable forms are tested..

Submissions (4):

Department of Pediatrics, Memorial Sloan Kettering Cancer Center
Classification: Pathogenic for Retinoblastoma. Last evaluated: 2020-12-15. Review status: criteria provided, single submitter. Criteria: ACMG Guidelines, 2015. Collection method: research. Allele origin: germline. Affected: yes.

Labcorp Genetics (formerly Invitae), Labcorp
Classification: Pathogenic for Retinoblastoma. Last evaluated: 2017-03-05. Review status: criteria provided, single submitter. Criteria: Invitae Variant Classification Sherloc (09022015). Collection method: clinical testing. Allele origin: germline.
Comment: This sequence change affects an acceptor splice site in intron 13 of the RB1 gene. It is expected to disrupt RNA splicing and likely results in an absent or disrupted protein product. For these reasons, this variant has been classified as Pathogenic. Loss-of-function variants in RB1 are known to be pathogenic. This particular variant has been reported in several individuals affected with retinoblastoma in the literature (PMID: 12541220) and in the Leiden Open-source Variation Database (PMID: 21520333). This variant is also known as 1471-2A>G in the literature.

Dr. Peter K. Rogan Lab, Western University
No classification provided (evidence only). Condition: Glioma susceptibility 1. Review status: no classification provided. Collection method: in vitro. Allele origin: not applicable. Functional consequence: skipped exon. Not counted in ClinVar's aggregate classification.

Dr. Peter K. Rogan Lab, Western University
No classification provided (evidence only). Condition: Hepatocellular carcinoma. Review status: no classification provided. Collection method: in vitro. Allele origin: not applicable. Functional consequence: skipped exon. Not counted in ClinVar's aggregate classification.

Literature cited by the submitters: PubMed 28873162 (cited by Department of Pediatrics, Memorial Sloan Kettering Cancer Center); PubMed 12541220 (cited by Labcorp Genetics (formerly Invitae), Labcorp); PubMed 21520333 (cited by Labcorp Genetics (formerly Invitae), Labcorp).